The following is an entry in ClinVar:

NM_015662.3(IFT172):c.59C>T (p.Thr20Ile)

Gene: IFT172 (intraflagellar transport 172; minus strand). Cytogenetic location: 2p23.3.
Variant type: single nucleotide variant.
Coding change: c.59C>T on transcript NM_015662.3 (MANE Select); coding-DNA position 59, C replaced by T.
Protein change: p.Thr20Ile; replaces threonine 20 with isoleucine.
Molecular consequence: missense variant.
Genome position (GRCh38, 1-based): chr2:27,485,484, G>A on the plus strand (C>T on the coding strand, the complement: IFT172 is on the minus strand). VCF-style: chr2-27485484-G-A. GRCh37 (hg19) VCF-style: chr2-27708351-G-A.
Other names: c.59C>T (NM_015662.1); short protein forms T20I.
Identifiers: ClinVar variation 943676 (VCV000943676.11), dbSNP rs751486617, ClinGen allele CA1581125.

ClinVar aggregate classification (germline): Conflicting classifications of pathogenicity. Review status: criteria provided, conflicting classifications (1 of 4 stars). 4 submissions from 4 submitters: Uncertain significance (3); Likely benign (1). Last evaluated 2024-12-09.

Conditions:
Inborn genetic diseases. Identifiers: MedGen C0950123, MeSH D030342.
IFT172-related disorder. Also called: IFT172-related disorders; IFT172-related condition.
Short-rib thoracic dysplasia 10 with or without polydactyly (SRTD10). Identifiers: Orphanet 474, MedGen C3810175, MONDO:0014284, OMIM 615630.
Retinitis pigmentosa 71 (RP71). Identifiers: Orphanet 791, MedGen C4225342, MONDO:0014618, OMIM 616394.

Allele frequency attached by ClinVar (database versions not stated): gnomAD 0.00001 and 0.00002; TOPMed 0.00001; gnomAD exomes 0.00004 and 0.00011; ExAC 0.00011.
gnomAD v4.1: 68 of 1,614,032 alleles (0.0042%); highest among the groups gnomAD compares: South Asian, 0.068%; no homozygotes.

Submissions (4):

Labcorp Genetics (formerly Invitae), Labcorp
Classification: Likely benign for Retinitis pigmentosa 71; Short-rib thoracic dysplasia 10 with or without polydactyly. Last evaluated: 2024-12-09. Review status: criteria provided, single submitter. Criteria: Invitae Variant Classification Sherloc (09022015). Collection method: clinical testing. Allele origin: germline.

Ambry Genetics
Classification: Uncertain significance for Inborn genetic diseases. Last evaluated: 2024-09-04. Review status: criteria provided, single submitter. Criteria: Ambry Variant Classification Scheme 2023. Collection method: clinical testing. Allele origin: germline.

PreventionGenetics, part of Exact Sciences
Classification: Uncertain significance for IFT172-related condition. Last evaluated: 2023-10-03. Review status: criteria provided, single submitter. Criteria: ACMG Guidelines, 2015. Collection method: clinical testing. Allele origin: germline.
Comment: The IFT172 c.59C>T variant is predicted to result in the amino acid substitution p.Thr20Ile. To our knowledge, this variant has not been reported in the literature. This variant is reported in 0.091% of alleles in individuals of South Asian descent in gnomAD. Although we suspect that this variant may be benign, at this time, the clinical significance of this variant is uncertain due to the absence of conclusive functional and genetic evidence.

Blueprint Genetics
Classification: Uncertain significance. Last evaluated: 2022-09-07. Review status: criteria provided, single submitter. Criteria: ACMG Guidelines, 2015. Collection method: clinical testing. Allele origin: germline.